The following is an entry in ClinVar:

NM_001077418.3(TMEM231):c.139+14G>A

Gene: TMEM231 (transmembrane protein 231; minus strand). Cytogenetic location: 16q23.1.
Variant type: single nucleotide variant.
Coding change: c.139+14G>A on transcript NM_001077418.3 (MANE Select); 14 bases into the intron after coding-DNA position 139, G replaced by A.
Molecular consequence: intron variant. On other transcripts: missense variant (1).
Genome position (GRCh38, 1-based): chr16:75,556,057, C>T on the plus strand (G>A on the coding strand, the complement: TMEM231 is on the minus strand). VCF-style: chr16-75556057-C-T. GRCh37 (hg19) VCF-style: chr16-75589955-C-T.
Other names: c.215G>A, p.Arg72Gln (NM_001077416.2); short protein forms R72Q.
Identifiers: ClinVar variation 2935426 (VCV002935426.3), dbSNP rs1315252445, ClinGen allele CA396809962.

ClinVar aggregate classification (germline): Uncertain significance (1 of 4 stars; one submission).

Conditions:
Joubert syndrome 20 (JBTS20). Identifiers: Orphanet 475, MedGen C3554235, MONDO:0013994, OMIM 614970.
Meckel syndrome, type 11 (MKS11). Identifiers: Orphanet 564, MedGen C3809352, MONDO:0014164, OMIM 615397.

Allele frequency attached by ClinVar (database versions not stated): gnomAD exomes below 0.00001.
gnomAD v4.1: 1 of 1,565,678 alleles (0.000064%); highest among the groups gnomAD compares: Admixed American, 0.0019%; no homozygotes.

Submission:

Labcorp Genetics (formerly Invitae), Labcorp
Classification: Uncertain significance for Joubert syndrome 20; Meckel syndrome, type 11. Last evaluated: 2023-10-18. Review status: criteria provided, single submitter. Criteria: Invitae Variant Classification Sherloc (09022015). Collection method: clinical testing. Allele origin: germline.
Comment: This sequence change replaces arginine, which is basic and polar, with glutamine, which is neutral and polar, at codon 72 of the TMEM231 protein (p.Arg72Gln). This variant is present in population databases (no rsID available, gnomAD 0.004%). This variant has not been reported in the literature in individuals affected with TMEM231-related conditions. Algorithms developed to predict the effect of missense changes on protein structure and function output the following: SIFT: "Not Available"; PolyPhen-2: "Not Available"; Align-GVGD: "Not Available". The glutamine amino acid residue is found in multiple mammalian species, which suggests that this missense change does not adversely affect protein function. In summary, the available evidence is currently insufficient to determine the role of this variant in disease. Therefore, it has been classified as a Variant of Uncertain Significance.